The following is an entry in ClinVar:

ClinVar aggregate classification (germline): Uncertain significance. Review status: criteria provided, multiple submitters, no conflicts (2 of 4 stars). 2 submissions from 2 submitters: Uncertain significance (2). Last evaluated 2024-11-15.

Conditions:
Autosomal recessive limb-girdle muscular dystrophy type 2L (LGMDR12). Also called: Limb-Girdle Muscular Dystrophy R12 Anoctamin-5-Related (LGMD-R12); Limb-girdle muscular dystrophy, type 2L; MUSCULAR DYSTROPHY, LIMB-GIRDLE, AUTOSOMAL RECESSIVE 12. Identifiers: Orphanet 206549, MedGen C1969785, MONDO:0012652, OMIM 611307.
Gnathodiaphyseal dysplasia (GDD). Also called: GNATHODIAPHYSEAL SCLEROSIS; OSTEOGENESIS IMPERFECTA WITH UNUSUAL SKELETAL LESIONS. Identifiers: Orphanet 53697, MedGen C1833736, MONDO:0008151, OMIM 166260.

Allele frequency attached by ClinVar (database versions not stated): TOPMed below 0.00001; gnomAD exomes 0.00001; ExAC 0.00002.

Submissions (2):

Blueprint Genetics
Classification: Uncertain significance. Last evaluated: 2024-11-15. Review status: criteria provided, single submitter. Criteria: ACMG Guidelines, 2015. Collection method: clinical testing. Allele origin: germline.

Labcorp Genetics (formerly Invitae), Labcorp
Classification: Uncertain significance for Autosomal recessive limb-girdle muscular dystrophy type 2L; Gnathodiaphyseal dysplasia. Last evaluated: 2021-11-14. Review status: criteria provided, single submitter. Criteria: Invitae Variant Classification Sherloc (09022015). Collection method: clinical testing. Allele origin: germline.
Comment: This sequence change replaces isoleucine, which is neutral and non-polar, with valine, which is neutral and non-polar, at codon 302 of the ANO5 protein (p.Ile302Val). This variant is present in population databases (rs750762553, gnomAD 0.006%). This variant has not been reported in the literature in individuals affected with ANO5-related conditions. Advanced modeling of protein sequence and biophysical properties (such as structural, functional, and spatial information, amino acid conservation, physicochemical variation, residue mobility, and thermodynamic stability) performed at Invitae indicates that this missense variant is not expected to disrupt ANO5 protein function. In summary, the available evidence is currently insufficient to determine the role of this variant in disease. Therefore, it has been classified as a Variant of Uncertain Significance.

NM_213599.3(ANO5):c.904A>G (p.Ile302Val)

Gene: ANO5 (anoctamin 5; plus strand). Cytogenetic location: 11p14.3.
Variant type: single nucleotide variant.
Coding change: c.904A>G on transcript NM_213599.3 (MANE Select); coding-DNA position 904, A replaced by G.
Protein change: p.Ile302Val; replaces isoleucine 302 with valine.
Molecular consequence: missense variant.
Genome position (GRCh38, 1-based): chr11:22,250,262, A>G. VCF-style: chr11-22250262-A-G. GRCh37 (hg19) VCF-style: chr11-22271808-A-G.
Other names: c.901A>G, p.Ile301Val (NM_001142649.2); short protein forms I302V, I301V.
Identifiers: ClinVar variation 1525129 (VCV001525129.4), dbSNP rs750762553, ClinGen allele CA5923071.